The following is an entry in ClinVar:

NM_001378964.1(CDON):c.*2345T>A

Gene: CDON (cell adhesion associated, oncogene regulated; minus strand). Cytogenetic location: 11q24.2.
Variant type: single nucleotide variant.
Coding change: c.*2345T>A on transcript NM_001378964.1 (MANE Select); 2345 bases downstream of the stop codon, T replaced by A.
Molecular consequence: 3 prime UTR variant.
Genome position (GRCh38, 1-based): chr11:125,958,597, A>T on the plus strand (T>A on the coding strand, the complement: CDON is on the minus strand). VCF-style: chr11-125958597-A-T. GRCh37 (hg19) VCF-style: chr11-125828492-A-T.
Other names: c.*2345T>A (NM_001243597.3, NM_016952.6).
Identifiers: ClinVar variation 877666 (VCV000877666.5), dbSNP rs58251767, ClinGen allele CA230550505.

ClinVar aggregate classification (germline): Benign. Review status: criteria provided, multiple submitters, no conflicts (2 of 4 stars). 2 submissions from 2 submitters: Benign (2). Last evaluated 2018-01-13.

Conditions:
Holoprosencephaly 11 (HPE11). Identifiers: Orphanet 2162, MedGen C3280215, MONDO:0013642, OMIM 614226.

Allele frequency attached by ClinVar (database versions not stated): 1000 Genomes Project 0.22584.

Submissions (2):

Illumina Laboratory Services, Illumina
Classification: Benign for Holoprosencephaly 11. Last evaluated: 2018-01-13. Review status: criteria provided, single submitter. Criteria: ICSL Variant Classification Criteria 13 December 2019. Collection method: clinical testing. Allele origin: germline.
Comment: This variant was observed in the ICSL laboratory as part of a predisposition screen in an ostensibly healthy population. It had not been previously curated by ICSL or reported in the Human Gene Mutation Database (HGMD: prior to June 1st, 2018), and was therefore a candidate for classification through an automated scoring system. Utilizing variant allele frequency, disease prevalence and penetrance estimates, and inheritance mode, an automated score was calculated to assess if this variant is too frequent to cause the disease. Based on the score and internal cut-off values, a variant classified as benign is not then subjected to further curation. The score for this variant resulted in a classification of benign for this disease.

Breakthrough Genomics
Classification: Benign. Review status: criteria provided, single submitter. Criteria: ACMG Guidelines, 2015. Collection method: not provided. Allele origin: germline. Inheritance: Autosomal dominant inheritance. Affected: yes.